The following is an entry in ClinVar:

ClinVar aggregate classification (germline): Pathogenic. Review status: reviewed by expert panel (3 of 4 stars). 15 submissions from 15 submitters: Pathogenic (1). 14 of the submissions do not count toward it. Last evaluated 2020-04-21.

Conditions:
Cardiovascular phenotype. Identifiers: MedGen CN230736.
Glycogen storage disease, type II (IOPD). Also called: CARDIOMEGALIA GLYCOGENICA DIFFUSA; Glucosidase acid-1,4-alpha deficiency; GLYCOGENOSIS, GENERALIZED, CARDIAC FORM; GSD II; Glycogen storage disease type 2; Acid maltase deficiency disease. Identifiers: Orphanet 365, MedGen C0017921, MONDO:0009290, OMIM 232300.

Allele frequency attached by ClinVar (database versions not stated): ESP Exome Variant Server 0.00015.
gnomAD v4.1: 69 of 1,612,230 alleles (0.0043%); highest among the groups gnomAD compares: Non-Finnish European, 0.0054%; no homozygotes.

Submissions 1 to 10 of 15:

ClinGen Lysosomal Storage Disorder Variant Curation Expert Panel
Classification: Pathogenic for Glycogen storage disease, type II. Last evaluated: 2020-04-21. Review status: reviewed by expert panel. Criteria: ClinGen LSD ACMG Specifications v1. Collection method: curation. Allele origin: germline. Inheritance: Autosomal recessive inheritance.
Comment: This variant, c.1841C>A (p.Thr614Lys), has been found in two patients published in the literature and five patients in a clinical diagnostic laboratory who have Pompe disease and residual GAA activity meeting the ClinGen LSD VCEP's specifications for PP4. These patients are compound heterozygous for the variant and either c.1076â€“22T>G (PMID 21484825), c.-32-13T>G (PMID 24590251, 2 laboratory patients), c.2481+102_2646+31del (one patient), c.1402A>T (p.Ile468Phe) (one patient), and unconfirmed second variant (one patient). The phase of the variants is unknown for all patients. This in trans data meets PM3. Pseudodeficiency variants are absent in the patients identified in the clinical laboratory. Therefore, PP4_Moderate can be applied. When expressed in COS cells, this variant resulted in <5% wild type activity in cells and <2% wild type activity in medium, in addition to exhibiting abnormal synthesis and processing (PMID 22644586), meeting PS3. The score for the REVEL in silico predictor, 0.835, also suggests that the variant is deleterious, meeting PP3. The highest population minor allele frequency in gnomAD v2.1.1 is 0.00005 in the European non-Finnish population, meeting PM2. There is a ClinVar entry for this variant (Variation ID: 167113, 2 star review status) with one submitter classifying the variant as pathogenic and two as likely pathogenic. In summary, this variant meets the criteria to be classified as pathogenic for Pompe disease. ACMG/AMP criteria applied, as specified by the ClinGen LSD VCEP: PS3, PM2, PM3, PP3, PP4_Moderate.

Ambry Genetics
Classification: Likely pathogenic for Cardiovascular phenotype. Last evaluated: 2026-09-11. Review status: criteria provided, single submitter. Criteria: Ambry Variant Classification Scheme 2023. Collection method: clinical testing. Allele origin: germline. Not counted in ClinVar's aggregate classification.
Comment: The p.T614K variant (also known as c.1841C>A), located in coding exon 12 of the GAA gene, results from a C to A substitution at nucleotide position 1841. The threonine at codon 614 is replaced by lysine, an amino acid with similar properties. This variant has been identified in the homozygous state and/or in conjunction with other GAA variant(s) in individual(s) with features consistent with Pompe disease (Kroos M et al. Hum Mutat, 2008 Jun;29:E13-26; Bali DS et al. Muscle Nerve, 2011 May;43:665-70; Beltran Papsdorf TB et al. Neurology, 2014 Mar;82:e73-5; Reddy HM et al. J Hum Genet, 2017 Feb;62:243-252; Nallamilli BRR et al. Ann Clin Transl Neurol, 2018 Dec;5:1574-1587; Kazi ZB et al. Genet Med, 2019 Apr;21:887-895; Desai AK et al. Front Immunol, 2020 Aug;11:1727; Korlimarla A et al. Neurology, 2020 Aug;95:e718-e732). In an assay testing GAA function, this variant showed a functionally abnormal result (Kroos M et al. Hum Mutat, 2012 Aug;33:1161-5). This amino acid position is highly conserved in available vertebrate species. In addition, this alteration is predicted to be deleterious by in silico analysis. This variant is considered to be rare based on population cohorts in the Genome Aggregation Database (gnomAD). Based on the majority of available evidence to date, this variant is likely to be pathogenic.

Genomenon, Inc
Classification: Likely pathogenic for Glycogen storage disease, type II. Last evaluated: 2026-07-01. Review status: criteria provided, single submitter. Criteria: Genomenon Sequence Variant Interpretation Standards - Updated. Collection method: curation. Allele origin: germline. Affected: yes. Not counted in ClinVar's aggregate classification.
Comment: GAA p.Thr614Lys (c.1841C>A) is a missense variant that changes the amino acid at codon 614 from Threonine to Lysine. This variant has been observed in at least one proband with a GAA-related disorder in the compound heterozygous and/or homozygous state (PMID:32849613;32518148;30510819;30214072;21484825;24590251). At least one functional study has demonstrated a substantial alteration in protein function relative to the wild-type (PMID:22644586). It is absent or not present at a significant frequency in gnomAD. In silico models predict that this variant is possibly or probably damaging. In conclusion, we classify GAA p.Thr614Lys (c.1841C>A) as a likely pathogenic variant.

Labcorp Genetics (formerly Invitae), Labcorp
Classification: Pathogenic for Glycogen storage disease, type II. Last evaluated: 2026-01-24. Review status: criteria provided, single submitter. Criteria: Invitae Variant Classification Sherloc (09022015). Collection method: clinical testing. Allele origin: germline. Not counted in ClinVar's aggregate classification.
Comment: This sequence change replaces threonine, which is neutral and polar, with lysine, which is basic and polar, at codon 614 of the GAA protein (p.Thr614Lys). This variant is present in population databases (rs369531647, gnomAD 0.005%). This missense change has been observed in individual(s) with Pompe disease (PMID: 21484825, 24590251, 27708273; internal data). In at least one individual the data is consistent with being in trans (on the opposite chromosome) from a pathogenic variant. ClinVar contains an entry for this variant (Variation ID: 167113). Invitae Evidence Modeling of protein sequence and biophysical properties (such as structural, functional, and spatial information, amino acid conservation, physicochemical variation, residue mobility, and thermodynamic stability) indicates that this missense variant is expected to disrupt GAA protein function with a positive predictive value of 95%. For these reasons, this variant has been classified as Pathogenic.

Natera, Inc.
Classification: Pathogenic for Glycogen storage disease type II. Last evaluated: 2025-09-04. Review status: criteria provided, single submitter. Criteria: Natera Variant Classification Schema (03/2026). Collection method: clinical testing. Allele origin: germline. Not counted in ClinVar's aggregate classification.
Comment: The c.1841C>A variant in GAA is a missense variant predicted to cause substitution of threonine to lysine at amino acid 614. This variant is rare in the general population with a frequency below the threshold expected for the associated phenotype(s). This variant has been observed in one or more individuals affected with the associated recessive disease, as either homozygous or compound heterozygous with a second variant (PMID: 31086307, 30564623, 21484825). Given the available evidence, this variant is classified as Pathogenic.

Revvity Omics, Revvity
Classification: Pathogenic. Last evaluated: 2025-04-01. Review status: criteria provided, single submitter. Criteria: ACMG Guidelines, 2015. Collection method: clinical testing. Allele origin: germline. Not counted in ClinVar's aggregate classification.

Fulgent Genetics
Classification: Pathogenic for Glycogen storage disease, type II. Last evaluated: 2024-05-21. Review status: criteria provided, single submitter. Criteria: ACMG Guidelines, 2015. Collection method: clinical testing. Allele origin: germline. Not counted in ClinVar's aggregate classification.

Mayo Clinic Laboratories, Mayo Clinic
Classification: Pathogenic. Last evaluated: 2023-08-09. Review status: criteria provided, single submitter. Criteria: ACMG Guidelines, 2015. Collection method: clinical testing. Allele origin: germline. Observed: 1 variant allele. Not counted in ClinVar's aggregate classification.
Comment: PP3, PP4_moderate, PM2, PM3, PS3

ARUP Laboratories, Molecular Genetics and Genomics, ARUP Laboratories
Classification: Pathogenic for Glycogen storage disease, type II. Last evaluated: 2023-03-31. Review status: criteria provided, single submitter. Criteria: ARUP Molecular Germline Variant Investigation Process 2024. Collection method: clinical testing. Allele origin: germline. Not counted in ClinVar's aggregate classification.
Comment: The GAA c.1841C>A; p.Thr614Lys variant (rs369531647) is reported in the literature in the compound heterozygous state in several individuals affected with Pompe disease (Bali 2011, Beltran Papsdorf 2014, Kroos 2008). This variant is also reported in ClinVar (Variation ID: 167113), and is found in the general population with an overall allele frequency of 0.0022% (6/276042 alleles) in the Genome Aggregation Database. Computational analyses predict that this variant is deleterious (REVEL: 0.835). In vitro functional analyses demonstrate reduced protein levels and enzyme activity (Kroos 2012). Based on available information, this variant is considered to be pathogenic. References: Bali DS et al. Molecular analysis and protein processing in late-onset Pompe disease patients with low levels of acid alpha-glucosidase activity. Muscle Nerve. 2011 May;43(5):665-70. PMID: 21484825. Beltran Papsdorf TB et al. Pearls & Oy-sters: clues to the diagnosis of adult-onset acid maltase deficiency. Neurology. 2014 Mar 4;82(9):e73-5. PMID: 24590251. Kroos M et al. Update of the Pompe disease mutation database with 107 sequence variants and a format for severity rating. Hum Mutat. 2008 Jun;29(6):E13-26. PMID: 18425781. Kroos M et al. Update of the pompe disease mutation database with 60 novel GAA sequence variants and additional studies on the functional effect of 34 previously reported variants. Hum Mutat. 2012 Aug;33(8):1161-5. PMID: 22644586.

AiLife Diagnostics
Classification: Pathogenic. Last evaluated: 2022-02-24. Review status: criteria provided, single submitter. Criteria: ACMG Guidelines, 2015. Collection method: clinical testing. Allele origin: germline. Affected: yes. Observed: 2 variant alleles. Not counted in ClinVar's aggregate classification.

NM_000152.5(GAA):c.1841C>A (p.Thr614Lys)

Gene: GAA (alpha glucosidase; plus strand). Cytogenetic location: 17q25.3.
Variant type: single nucleotide variant.
Coding change: c.1841C>A on transcript NM_000152.5 (MANE Select); coding-DNA position 1841, C replaced by A.
Protein change: p.Thr614Lys; replaces threonine 614 with lysine.
Molecular consequence: missense variant.
Genome position (GRCh38, 1-based): chr17:80,112,664, C>A. VCF-style: chr17-80112664-C-A. GRCh37 (hg19) VCF-style: chr17-78086463-C-A.
Other names: c.1841C>A, p.Thr614Lys (NM_001079803.3, NM_001079804.3, LRG_673t1); short protein forms T614K.
Identifiers: ClinVar variation 167113 (VCV000167113.39), dbSNP rs369531647, ClinGen allele CA234050.